The following is an entry in ClinVar:

NM_000268.4(NF2):c.879T>C (p.Asn293=)

Gene: NF2 (NF2, moesin-ezrin-radixin like (MERLIN) tumor suppressor; plus strand). Cytogenetic location: 22q12.2.
Variant type: single nucleotide variant.
Coding change: c.879T>C on transcript NM_000268.4 (MANE Select); coding-DNA position 879, T replaced by C.
Protein change: p.Asn293=; no amino-acid change (asparagine 293 retained).
Molecular consequence: synonymous variant. On other transcripts: non-coding transcript variant (1), intron variant (1).
Genome position (GRCh38, 1-based): chr22:29,665,058, T>C. VCF-style: chr22-29665058-T-C. GRCh37 (hg19) VCF-style: chr22-30061047-T-C.
Other names: c.879T>C, p.Asn293= (NM_016418.5, NM_181825.3, NM_181832.3); c.753T>C, p.Asn251= (NM_181828.3); c.756T>C, p.Asn252= (NM_181829.3); c.630T>C, p.Asn210= (NM_181830.3, NM_181831.3); c.447+22773T>C (NM_181833.3); c.879T>C (NM_181832.2).
Identifiers: ClinVar variation 457928 (VCV000457928.25), dbSNP rs151198477, ClinGen allele CA035541.

ClinVar aggregate classification (germline): Conflicting classifications of pathogenicity. Review status: criteria provided, conflicting classifications (1 of 4 stars). 7 submissions from 7 submitters: Uncertain significance (1); Likely benign (5). 1 of the submissions does not count toward it. Last evaluated 2025-12-21.

Conditions:
Neurofibromatosis, type 2 (SWNV). Also called: BILATERAL ACOUSTIC NEUROFIBROMATOSIS; SCHWANNOMATOSIS, VESTIBULAR; NF2-Related Schwannomatosis. Identifiers: Orphanet 637, MedGen C0027832, MONDO:0007039, OMIM 101000. Disease mechanism: loss of function.
NF2-related disorder. Also called: NF2-related condition.
Hereditary cancer-predisposing syndrome. Also called: Neoplastic Syndromes, Hereditary; Tumor predisposition; Hereditary neoplastic syndrome; Hereditary Cancer Syndrome. Identifiers: Orphanet 140162, MedGen C0027672, MeSH D009386, MONDO:0015356.

Allele frequency attached by ClinVar (database versions not stated): gnomAD exomes below 0.00001 and 0.00001; ExAC 0.00002; TOPMed 0.00006; gnomAD 0.00008 and 0.00009; ESP Exome Variant Server 0.00015.
gnomAD v4.1: 16 of 1,612,066 alleles (0.00099%); highest among the groups gnomAD compares: African/African-American, 0.02%; no homozygotes.

Submissions (7):

Labcorp Genetics (formerly Invitae), Labcorp
Classification: Likely benign for Neurofibromatosis, type 2. Last evaluated: 2025-12-21. Review status: criteria provided, single submitter. Criteria: Invitae Variant Classification Sherloc (09022015). Collection method: clinical testing. Allele origin: germline.

All of Us Research Program, National Institutes of Health
Classification: Likely benign for Neurofibromatosis, type 2. Last evaluated: 2023-10-30. Review status: criteria provided, single submitter. Criteria: ACMG Guidelines, 2015. Collection method: clinical testing. Allele origin: germline. Inheritance: Autosomal dominant inheritance. Observed: 3 variant alleles, 3 heterozygotes.
Comment: This study involves interpretation of variants in research participants for the purpose of population health screening. Participant phenotype was not available at the time of variant classification. Additional details can be found in publication PMID: 35346344, PMCID: PMC8962531

Color Diagnostics, LLC DBA Color Health
Classification: Likely benign for Neurofibromatosis, type 2. Last evaluated: 2022-11-06. Review status: criteria provided, single submitter. Criteria: ACMG Guidelines, 2015. Collection method: clinical testing. Allele origin: germline.

Genome-Nilou Lab
Classification: Likely benign for Neurofibromatosis, type 2. Last evaluated: 2021-11-07. Review status: criteria provided, single submitter. Criteria: ACMG Guidelines, 2015. Collection method: clinical testing. Allele origin: germline. Affected: no.

Illumina Laboratory Services, Illumina
Classification: Uncertain significance for Neurofibromatosis, type 2. Last evaluated: 2018-01-13. Review status: criteria provided, single submitter. Criteria: ICSL Variant Classification Criteria 13 December 2019. Collection method: clinical testing. Allele origin: germline.

Ambry Genetics
Classification: Likely benign for Hereditary cancer-predisposing syndrome. Last evaluated: 2017-07-19. Review status: criteria provided, single submitter. Criteria: Ambry Variant Classification Scheme 2023. Collection method: clinical testing. Allele origin: germline.

PreventionGenetics, part of Exact Sciences
Classification: Likely benign for NF2-related condition. Last evaluated: 2024-01-11. Review status: no assertion criteria provided. Collection method: clinical testing. Allele origin: germline. Not counted in ClinVar's aggregate classification.
Comment: This variant is classified as likely benign based on ACMG/AMP sequence variant interpretation guidelines (Richards et al. 2015 PMID: 25741868, with internal and published modifications).